The following is an entry in ClinVar:

ClinVar aggregate classification (germline): Uncertain significance (1 of 4 stars; one submission).

Conditions:
Inborn genetic diseases. Identifiers: MedGen C0950123, MeSH D030342.

gnomAD v4.1: 1 of 1,613,792 alleles (0.000062%); no homozygotes.

Submission:

Ambry Genetics
Classification: Uncertain significance for Inborn genetic diseases. Last evaluated: 2025-11-03. Review status: criteria provided, single submitter. Criteria: Ambry Variant Classification Scheme 2023. Collection method: clinical testing. Allele origin: germline.
Comment: The p.P906R variant (also known as c.2717C>G), located in coding exon 11 of the MECOM gene, results from a C to G substitution at nucleotide position 2717. The proline at codon 906 is replaced by arginine, an amino acid with dissimilar properties. This amino acid position is conserved. In addition, the in silico prediction for this alteration is inconclusive. Based on the available evidence, the clinical significance of this variant remains unclear.

NM_004991.4(MECOM):c.2717C>G (p.Pro906Arg)

Gene: MECOM (MDS1 and EVI1 complex locus; minus strand). Cytogenetic location: 3q26.2.
Variant type: single nucleotide variant.
Coding change: c.2717C>G on transcript NM_004991.4 (MANE Select); coding-DNA position 2717, C replaced by G.
Protein change: p.Pro906Arg; replaces proline 906 with arginine.
Molecular consequence: missense variant.
Genome position (GRCh38, 1-based): chr3:169,102,114, G>C on the plus strand (C>G on the coding strand, the complement: MECOM is on the minus strand). VCF-style: chr3-169102114-G-C. GRCh37 (hg19) VCF-style: chr3-168819902-G-C.
Other names: c.2348C>G, p.Pro783Arg (NM_001105077.4); c.2153C>G, p.Pro718Arg (NM_001105078.4, NM_001205194.2, NM_001366469.2 and 1 more transcripts); c.2129C>G, p.Pro710Arg (NM_001163999.2, NM_001366470.2); c.2126C>G, p.Pro709Arg (NM_001164000.2, NM_001366471.2, NM_001366472.2); c.2690C>G, p.Pro897Arg (NM_001366466.2); c.2156C>G, p.Pro719Arg (NM_001366467.2, NM_001366468.2); c.1718C>G, p.Pro573Arg (NM_001366473.2); c.1154C>G, p.Pro385Arg (NM_001366474.2); short protein forms P783R, P906R, P718R, P897R, P385R, P709R, P710R, P719R.
Identifiers: ClinVar variation 4624681 (VCV004624681.1).
Genomic context (GRCh38, chr3:169,102,114, plus strand): 5'-AGTTACCTGCAGGTATAGCGCTCCTTTCCCTTCCGCAGAAGGTTCTCTGGCAGGGCATTG[G>C]GAGGCGCCCTGAAGTTGAACATAGAGGGCACTGACTGTAAGAGCTCACTGGCCTCAGGTT-3'
Protein context (NP_004982.2, residues 896-916): VPSMFNFRAP[Pro906Arg]NALPENLLRK